The following is an entry in ClinVar:

ClinVar aggregate classification (germline): Likely pathogenic (1 of 4 stars; one submission).

Conditions:
Eichsfeld type congenital muscular dystrophy (CMYO3). Also called: MYOPATHY, SEPN1-RELATED; SELENON-related myopathy; Congenital myopathy 3 with rigid spine; Rigid spine muscular dystrophy 1. Identifiers: MedGen C0410180, MONDO:0100100, OMIM 602771.

Submission:

Women's Health and Genetics/Laboratory Corporation of America, LabCorp
Classification: Likely pathogenic for Eichsfeld type congenital muscular dystrophy. Last evaluated: 2023-04-12. Review status: criteria provided, single submitter. Criteria: LabCorp Variant Classification Summary - May 2015. Collection method: clinical testing. Allele origin: germline.
Comment: Variant summary: SELENON c.1499dupA (p.Asn501GlufsX66) results in a premature termination codon, predicted to cause a truncation of the encoded protein or absence of the protein due to nonsense mediated decay, which are commonly known mechanisms for disease. Truncations downstream of this position have been classified as pathogenic in ClinVar database. The variant was absent in 249458 control chromosomes (gnomAD). To our knowledge, no occurrence of c.1499dupA in individuals affected with Eichsfeld Type Congenital Muscular Dystrophy and no experimental evidence demonstrating its impact on protein function have been reported. No clinical diagnostic laboratories have submitted clinical-significance assessments for this variant to ClinVar after 2014. Based on the evidence outlined above, the variant was classified as likely pathogenic.

NM_206926.2(SELENON):c.1397dup (p.Asn467fs)

Gene: SELENON (selenoprotein N; plus strand). Cytogenetic location: 1p36.11.
Variant type: Duplication.
Coding change: c.1397dup on transcript NM_206926.2 (MANE Select); coding-DNA position 1397, one base duplicated (A; older notation c.1397dupA).
Protein change: p.Asn467fs; shifts the reading frame from asparagine 467.
Molecular consequence: frameshift variant.
Genome position (GRCh38, 1-based): chr1:25,813,992, A duplicated. VCF-style (leftmost placement, unchanged base first): chr1-25813991-C-CA. GRCh37 (hg19) VCF-style: chr1-26140482-C-CA.
Other names: c.1499dupA (NM_020451.2); c.1499dup, p.Asn501fs (NM_020451.3); short protein forms N467fs, N501fs.
Identifiers: ClinVar variation 2503810 (VCV002503810.1), dbSNP rs2525005084, ClinGen allele CA2580611141.